The following is an entry in ClinVar:

ClinVar aggregate classification (germline): Uncertain significance (1 of 4 stars; one submission).

Allele frequency attached by ClinVar (database versions not stated): ExAC 0.00002; gnomAD 0.00006; TOPMed 0.00008; ESP Exome Variant Server 0.00015.
gnomAD v4.1: 24 of 1,613,480 alleles (0.0015%); highest among the groups gnomAD compares: African/African-American, 0.017%; no homozygotes.

Submission:

Labcorp Genetics (formerly Invitae), Labcorp
Classification: Uncertain significance. Last evaluated: 2023-10-13. Review status: criteria provided, single submitter. Criteria: Invitae Variant Classification Sherloc (09022015). Collection method: clinical testing. Allele origin: germline.
Comment: This sequence change replaces arginine, which is basic and polar, with histidine, which is basic and polar, at codon 776 of the SLC12A2 protein (p.Arg776His). This variant is present in population databases (rs373411636, gnomAD 0.02%). This variant has not been reported in the literature in individuals affected with SLC12A2-related conditions. Advanced modeling of protein sequence and biophysical properties (such as structural, functional, and spatial information, amino acid conservation, physicochemical variation, residue mobility, and thermodynamic stability) performed at Invitae indicates that this missense variant is not expected to disrupt SLC12A2 protein function. In summary, the available evidence is currently insufficient to determine the role of this variant in disease. Therefore, it has been classified as a Variant of Uncertain Significance.

NM_001046.3(SLC12A2):c.2327G>A (p.Arg776His)

Gene: SLC12A2 (solute carrier family 12 member 2; plus strand). Cytogenetic location: 5q23.3.
Variant type: single nucleotide variant.
Coding change: c.2327G>A on transcript NM_001046.3 (MANE Select); coding-DNA position 2327, G replaced by A.
Protein change: p.Arg776His; replaces arginine 776 with histidine.
Molecular consequence: missense variant. On other transcripts: non-coding transcript variant (1).
Genome position (GRCh38, 1-based): chr5:128,152,769, G>A. VCF-style: chr5-128152769-G-A. GRCh37 (hg19) VCF-style: chr5-127488461-G-A.
Other names: c.2327G>A, p.Arg776His (NM_001256461.2); short protein forms R776H.
Identifiers: ClinVar variation 2882697 (VCV002882697.2), dbSNP rs373411636, ClinGen allele CA3393333.